The following is an entry in ClinVar:

ClinVar aggregate classification (germline): Uncertain significance (1 of 4 stars; one submission).

Conditions:
Hereditary cancer-predisposing syndrome. Also called: Neoplastic Syndromes, Hereditary; Tumor predisposition; Hereditary neoplastic syndrome; Hereditary Cancer Syndrome. Identifiers: Orphanet 140162, MedGen C0027672, MeSH D009386, MONDO:0015356.

Submission:

Ambry Genetics
Classification: Uncertain significance for Hereditary cancer-predisposing syndrome. Last evaluated: 2026-07-07. Review status: criteria provided, single submitter. Criteria: Ambry Variant Classification Scheme 2023. Collection method: clinical testing. Allele origin: germline.
Comment: The p.S249I variant (also known as c.746G>T), located in coding exon 6 of the FH gene, results from a G to T substitution at nucleotide position 746. The serine at codon 249 is replaced by isoleucine, an amino acid with dissimilar properties. This amino acid position is conserved. In addition, this alteration is predicted to be deleterious by in silico analysis. Based on the available evidence, the clinical significance of this variant remains unclear.

NM_000143.4(FH):c.746G>T (p.Ser249Ile)

Gene: FH (fumarate hydratase; minus strand). Cytogenetic location: 1q43.
Variant type: single nucleotide variant.
Coding change: c.746G>T on transcript NM_000143.4 (MANE Select); coding-DNA position 746, G replaced by T.
Protein change: p.Ser249Ile; replaces serine 249 with isoleucine.
Molecular consequence: missense variant.
Genome position (GRCh38, 1-based): chr1:241,506,161, C>A on the plus strand (G>T on the coding strand, the complement: FH is on the minus strand). VCF-style: chr1-241506161-C-A. GRCh37 (hg19) VCF-style: chr1-241669461-C-A.
Other names: short protein forms S249I.
Identifiers: ClinVar variation 5021744 (VCV005021744.1).